The following is an entry in ClinVar:

NM_006158.5(NEFL):c.1262G>A (p.Arg421Gln)

Gene: NEFL (neurofilament light chain; minus strand). Cytogenetic location: 8p21.2.
Variant type: single nucleotide variant.
Coding change: c.1262G>A on transcript NM_006158.5 (MANE Select); coding-DNA position 1262, G replaced by A.
Protein change: p.Arg421Gln; replaces arginine 421 with glutamine.
Molecular consequence: missense variant.
Genome position (GRCh38, 1-based): chr8:24,953,703, C>T on the plus strand (G>A on the coding strand, the complement: NEFL is on the minus strand). VCF-style: chr8-24953703-C-T. GRCh37 (hg19) VCF-style: chr8-24811217-C-T.
Other names: short protein forms R421Q.
Identifiers: ClinVar variation 2506825 (VCV002506825.5), dbSNP rs1463847045, ClinGen allele CA370620354.

ClinVar aggregate classification (germline): Uncertain significance. Review status: criteria provided, multiple submitters, no conflicts (2 of 4 stars). 3 submissions from 3 submitters: Uncertain significance (3). Last evaluated 2026-01-06.

Conditions:
NEFL-related disorder. Also called: NEFL-related condition.
Charcot-Marie-Tooth disease type 2E (CMT2E). Also called: CHARCOT-MARIE-TOOTH NEUROPATHY, TYPE 2E; CHARCOT-MARIE-TOOTH DISEASE, AXONAL, TYPE 2E. Identifiers: Orphanet 99939, MedGen C1843225, MONDO:0011894, OMIM 607684.

gnomAD v4.1: 24 of 1,613,864 alleles (0.0015%); highest among the groups gnomAD compares: East Asian, 0.0022%; no homozygotes.

Submissions (3):

PreventionGenetics, part of Exact Sciences
Classification: Uncertain significance for NEFL-related condition. Last evaluated: 2026-01-06. Review status: criteria provided, single submitter. Criteria: ACMG Guidelines, 2015. Collection method: clinical testing. Allele origin: germline.
Comment: The NEFL c.1262G>A variant is predicted to result in the amino acid substitution p.Arg421Gln. This variant has been reported as a variant of uncertain significance in an individual with Charcot-Marie-Tooth disease; however, additional support for pathogenicity was not provided (Chen et al. 2019. PubMed ID: 31372974). This variant is reported in 0.0051% of alleles in individuals of East Asian descent in gnomAD. At this time, the clinical significance of this variant is uncertain due to the absence of conclusive functional and genetic evidence.

Labcorp Genetics (formerly Invitae), Labcorp
Classification: Uncertain significance for Charcot-Marie-Tooth disease type 2E. Last evaluated: 2024-06-08. Review status: criteria provided, single submitter. Criteria: Invitae Variant Classification Sherloc (09022015). Collection method: clinical testing. Allele origin: germline.
Comment: This sequence change replaces arginine, which is basic and polar, with glutamine, which is neutral and polar, at codon 421 of the NEFL protein (p.Arg421Gln). This variant is present in population databases (no rsID available, gnomAD 0.005%). This missense change has been observed in individual(s) with Charcot-Marie-Tooth disease (PMID: 31372974). ClinVar contains an entry for this variant (Variation ID: 2506825). Advanced modeling of protein sequence and biophysical properties (such as structural, functional, and spatial information, amino acid conservation, physicochemical variation, residue mobility, and thermodynamic stability) has been performed at Invitae for this missense variant, however the output from this modeling did not meet the statistical confidence thresholds required to predict the impact of this variant on NEFL protein function. In summary, the available evidence is currently insufficient to determine the role of this variant in disease. Therefore, it has been classified as a Variant of Uncertain Significance.

GeneDx
Classification: Uncertain significance. Last evaluated: 2022-12-21. Review status: criteria provided, single submitter. Criteria: GeneDx Variant Classification Process June 2021. Collection method: clinical testing. Allele origin: germline. Affected: yes.
Comment: Reported as a variant of uncertain significance in an individual described as having sporadic, classic CMT (Chen et al., 2019); In silico analysis supports that this missense variant has a deleterious effect on protein structure/function; This variant is associated with the following publications: (PMID: 31372974)

Literature cited by the submitters: PubMed 31372974 (cited by Labcorp Genetics (formerly Invitae), Labcorp).